The following is an entry in ClinVar:

ClinVar aggregate classification (germline): Uncertain significance (1 of 4 stars; one submission).

Conditions:
Parenti-mignot neurodevelopmental syndrome. Identifiers: MedGen C5676984, MONDO:0859249, OMIM 619873.

Submission:

Dasa
Classification: Uncertain significance for Parenti-mignot neurodevelopmental syndrome. Last evaluated: 2026-03-09. Review status: criteria provided, single submitter. Criteria: DASA Assertion Criteria. Collection method: clinical testing. Allele origin: germline.
Comment: NM_015557.3(CHD5):c.5335G>A (p.Gly1779Ser) is a missense variant that results in the substitution of glycine with serine. This variant is absent from population databases. Computational prediction algorithms are consistent with a deleterious effect. The currently available literature and clinical evidence are not sufficient to establish a definitive association between this variant and the reported condition. Therefore, this variant is classified as a variant of uncertain significance.

NM_015557.3(CHD5):c.5335G>A (p.Gly1779Ser)

Gene: CHD5 (chromodomain helicase DNA binding protein 5; minus strand). Cytogenetic location: 1p36.31.
Variant type: single nucleotide variant.
Coding change: c.5335G>A on transcript NM_015557.3 (MANE Select); coding-DNA position 5335, G replaced by A.
Protein change: p.Gly1779Ser; replaces glycine 1779 with serine.
Molecular consequence: missense variant.
Genome position (GRCh38, 1-based): chr1:6,110,441, C>T on the plus strand (G>A on the coding strand, the complement: CHD5 is on the minus strand). VCF-style: chr1-6110441-C-T. GRCh37 (hg19) VCF-style: chr1-6170501-C-T.
Other names: short protein forms G1779S.
Identifiers: ClinVar variation 4881779 (VCV004881779.2).